The following is an entry in ClinVar:

ClinVar aggregate classification (germline): Uncertain significance (1 of 4 stars; one submission).

Conditions:
Inborn genetic diseases. Identifiers: MedGen C0950123, MeSH D030342.

Submission:

Ambry Genetics
Classification: Uncertain significance for Inborn genetic diseases. Last evaluated: 2020-08-10. Review status: criteria provided, single submitter. Criteria: Ambry Variant Classification Scheme 2023. Collection method: clinical testing. Allele origin: germline.
Comment: The p.N728S variant (also known as c.2183A>G), located in coding exon 14 of the SCN11A gene, results from an A to G substitution at nucleotide position 2183. The asparagine at codon 728 is replaced by serine, an amino acid with highly similar properties. This amino acid position is not well conserved in available vertebrate species. In addition, this alteration is predicted to be tolerated by in silico analysis. Since supporting evidence is limited at this time, the clinical significance of this alteration remains unclear.

NM_001349253.2(SCN11A):c.2183A>G (p.Asn728Ser)

Gene: SCN11A (sodium voltage-gated channel alpha subunit 11; minus strand). Cytogenetic location: 3p22.2.
Variant type: single nucleotide variant.
Coding change: c.2183A>G on transcript NM_001349253.2 (MANE Select); coding-DNA position 2183, A replaced by G.
Protein change: p.Asn728Ser; replaces asparagine 728 with serine.
Molecular consequence: missense variant.
Genome position (GRCh38, 1-based): chr3:38,897,065, T>C on the plus strand (A>G on the coding strand, the complement: SCN11A is on the minus strand). VCF-style: chr3-38897065-T-C. GRCh37 (hg19) VCF-style: chr3-38938556-T-C.
Other names: c.2183A>G, p.Asn728Ser (NM_014139.3); short protein forms N728S.
Identifiers: ClinVar variation 1787293 (VCV001787293.2), dbSNP rs1420195323, ClinGen allele CA352158615.